The following is an entry in ClinVar:

NM_001375524.1(TRRAP):c.10683G>T (p.Gln3561His)

Gene: TRRAP (transformation/transcription domain associated protein; plus strand). Cytogenetic location: 7q22.1.
Variant type: single nucleotide variant.
Coding change: c.10683G>T on transcript NM_001375524.1 (MANE Select); coding-DNA position 10683, G replaced by T.
Protein change: p.Gln3561His; replaces glutamine 3561 with histidine.
Molecular consequence: missense variant.
Genome position (GRCh38, 1-based): chr7:99,005,278, G>T. VCF-style: chr7-99005278-G-T. GRCh37 (hg19) VCF-style: chr7-98602901-G-T.
Other names: c.10641G>T, p.Gln3547His (NM_001244580.2); c.10554G>T, p.Gln3518His (NM_003496.4); short protein forms Q3518H, Q3547H, Q3561H.
Identifiers: ClinVar variation 1926547 (VCV001926547.5), dbSNP rs1214201787, ClinGen allele CA368338450.

ClinVar aggregate classification (germline): Uncertain significance (1 of 4 stars; one submission).

gnomAD v4.1: 27 of 1,614,172 alleles (0.0017%); highest among the groups gnomAD compares: Non-Finnish European, 0.0023%; no homozygotes.

Submission:

Labcorp Genetics (formerly Invitae), Labcorp
Classification: Uncertain significance. Last evaluated: 2025-11-09. Review status: criteria provided, single submitter. Criteria: Invitae Variant Classification Sherloc (09022015). Collection method: clinical testing. Allele origin: germline.
Comment: This sequence change replaces glutamine, which is neutral and polar, with histidine, which is basic and polar, at codon 3518 of the TRRAP protein (p.Gln3518His). This variant is present in population databases (no rsID available, gnomAD 0.0009%). This variant has not been reported in the literature in individuals affected with TRRAP-related conditions. ClinVar contains an entry for this variant (Variation ID: 1926547). Invitae Evidence Modeling of protein sequence and biophysical properties (such as structural, functional, and spatial information, amino acid conservation, physicochemical variation, residue mobility, and thermodynamic stability) indicates that this missense variant is not expected to disrupt TRRAP protein function with a negative predictive value of 80%. In summary, the available evidence is currently insufficient to determine the role of this variant in disease. Therefore, it has been classified as a Variant of Uncertain Significance.